The following is an entry in ClinVar:

NM_001267550.2(TTN):c.89479C>A (p.Pro29827Thr)

Genes: TTN (titin; minus strand), TTN-AS1 (TTN antisense RNA 1; plus strand). Cytogenetic location: 2q31.2.
Variant type: single nucleotide variant.
Coding change: c.89479C>A on transcript NM_001267550.2 (MANE Select); coding-DNA position 89479, C replaced by A.
Protein change: p.Pro29827Thr; replaces proline 29827 with threonine.
Molecular consequence: missense variant.
Genome position (GRCh38, 1-based): chr2:178,553,526, G>T on the plus strand (C>A on the coding strand, the complement: TTN is on the minus strand). VCF-style: chr2-178553526-G-T. GRCh37 (hg19) VCF-style: chr2-179418253-G-T.
Other names: c.84556C>A, p.Pro28186Thr (NM_001256850.1); c.62284C>A, p.Pro20762Thr (NM_003319.4); c.81775C>A, p.Pro27259Thr (NM_133378.4); c.62659C>A, p.Pro20887Thr (NM_133432.3); c.62860C>A, p.Pro20954Thr (NM_133437.4); short protein forms P27259T, P29827T, P20762T, P20887T, P20954T, P28186T.
Identifiers: ClinVar variation 191859 (VCV000191859.6), dbSNP rs201620815, ClinGen allele CA237719.

ClinVar aggregate classification (germline): Uncertain significance. Review status: criteria provided, multiple submitters, no conflicts (2 of 4 stars). 4 submissions from 4 submitters: Uncertain significance (4). Last evaluated 2026-08-06.

Conditions:
Cardiovascular phenotype. Identifiers: MedGen CN230736.
Dilated cardiomyopathy 1G (CMD1G). Identifiers: Orphanet 154, MedGen C1858763, MONDO:0011400, OMIM 604145.
Autosomal recessive limb-girdle muscular dystrophy type 2J (LGMDR10). Also called: Limb-girdle muscular dystrophy, type 2J; MUSCULAR DYSTROPHY, LIMB-GIRDLE, AUTOSOMAL RECESSIVE 10. Identifiers: Orphanet 140922, MedGen C1837342, MONDO:0012127, OMIM 608807.
Tibial muscular dystrophy (TMD). Also called: Tibial muscular dystrophy, tardive; Udd Distal Myopathy – Tibial Muscular Dystrophy; UDD MYOPATHY. Identifiers: Orphanet 609, MedGen C1838244, MONDO:0010870, OMIM 600334.

Allele frequency attached by ClinVar (database versions not stated): gnomAD exomes 0.00023; ExAC 0.00027; gnomAD 0.00001 and 0.00005; TOPMed 0.00001; 1000 Genomes Project 0.00020; 1000 Genomes Project 30x 0.00016.
gnomAD v4.1: 150 of 1,613,174 alleles (0.0093%); highest among the groups gnomAD compares: South Asian, 0.14%; no homozygotes.

Submissions (4):

OLLIN Analises Genomicas, OLLIN
Classification: Uncertain significance for Tibial muscular dystrophy. Last evaluated: 2026-08-06. Review status: criteria provided, single submitter. Criteria: ACMG Guidelines 2015 PMID 25741868. Collection method: clinical testing. Allele origin: germline. Inheritance: Autosomal dominant inheritance.
Comment: This missense variant, located in exon 334 (of 363), has been reported in ClinVar (accession VCV000332735.7) and in gnomAD with an allele frequency of 0.0093%. However, to our knowledge, it has not been reported in the scientific literature. In silico analysis predicts that this variant has a tolerated effect. According to the currently available evidence, this variant has been classified as uncertain significance (PM2_P, BP4).

Ambry Genetics
Classification: Uncertain significance for Cardiovascular phenotype. Last evaluated: 2020-01-09. Review status: criteria provided, single submitter. Criteria: Ambry Variant Classification Scheme 2023. Collection method: clinical testing. Allele origin: germline.
Comment: The p.P20762T variant (also known as c.62284C>A), located in coding exon 161 of the TTN gene, results from a C to A substitution at nucleotide position 62284. The proline at codon 20762 is replaced by threonine, an amino acid with highly similar properties. This amino acid position is well conserved in available vertebrate species. In addition, this alteration is predicted to be tolerated by in silico analysis. Since supporting evidence is limited at this time, the clinical significance of this alteration remains unclear.

Labcorp Genetics (formerly Invitae), Labcorp
Classification: Uncertain significance for Dilated cardiomyopathy 1G; Autosomal recessive limb-girdle muscular dystrophy type 2J. Last evaluated: 2019-11-15. Review status: criteria provided, single submitter. Criteria: Invitae Variant Classification Sherloc (09022015). Collection method: clinical testing. Allele origin: germline.
Comment: This sequence change replaces proline with threonine at codon 29827 of the TTN protein (p.Pro29827Thr). There is a small physicochemical difference between proline and threonine. This variant is present in population databases (rs201620815, ExAC 0.2%). This variant has not been reported in the literature in individuals with TTN-related conditions. ClinVar contains an entry for this variant (Variation ID: 191859). This variant is located in the A band of TTN (PMID: 25589632). Variants in this region may be relevant for cardiac or neuromuscular disorders (PMID: 25589632, 23975875). Algorithms developed to predict the effect of missense changes on protein structure and function are unavailable for the TTN gene. In summary, the available evidence is currently insufficient to determine the role of this variant in disease. Therefore, it has been classified as a Variant of Uncertain Significance.

Biesecker Lab/Clinical Genomics Section, National Institutes of Health
Classification: Uncertain significance. Last evaluated: 2013-06-24. Review status: criteria provided, single submitter. Criteria: Ng et al. (Circ Cardiovasc Genet. 2013). Collection method: research. Allele origin: unknown. Observed: 1 variant allele. Study: ClinSeq.
Comment: The study set was not selected for affection status in relation to any cancer. Pathogenicity categories were based on literature curation. See Pubmed ID:23861362 for details.

Medical sequencing

Literature cited by the submitters: PubMed 25589632 (cited by Labcorp Genetics (formerly Invitae), Labcorp); PubMed 23975875 (cited by Labcorp Genetics (formerly Invitae), Labcorp).